The following is an entry in ClinVar:

ClinVar aggregate classification (germline): Uncertain significance (0 of 4 stars; one submission).

Submission:

Leiden Open Variation Database
Classification: Uncertain significance. Last evaluated: 2018-10-10. Review status: no assertion criteria provided. Collection method: curation. Allele origin: germline. Affected: yes.
Comment: Curators: Marc Tischkowitz, Arleen D. Auerbach. Submitter to LOVD: Yukihide Momozawa.

Literature cited by the submitters: PubMed 30287823.

NM_024675.4(PALB2):c.2794G>C (p.Val932Leu)

Gene: PALB2 (partner and localizer of BRCA2; minus strand). Cytogenetic location: 16p12.2.
Variant type: single nucleotide variant.
Coding change: c.2794G>C on transcript NM_024675.4 (MANE Select); coding-DNA position 2794, G replaced by C.
Protein change: p.Val932Leu; replaces valine 932 with leucine.
Molecular consequence: missense variant.
Genome position (GRCh38, 1-based): chr16:23,624,049, C>G on the plus strand (G>C on the coding strand, the complement: PALB2 is on the minus strand). VCF-style: chr16-23624049-C-G. GRCh37 (hg19) VCF-style: chr16-23635370-C-G.
Other names: short protein forms V932L.
Identifiers: ClinVar variation 830179 (VCV000830179.1), dbSNP rs45624036, ClinGen allele CA395145024.